The following is an entry in ClinVar:

ClinVar aggregate classification (germline): Uncertain significance (1 of 4 stars; one submission).

Conditions:
Hereditary cancer-predisposing syndrome. Also called: Hereditary Cancer Syndrome; Hereditary neoplastic syndrome; Tumor predisposition; Neoplastic Syndromes, Hereditary. Identifiers: Orphanet 140162, MedGen C0027672, MeSH D009386, MONDO:0015356.

Submission:

Ambry Genetics
Classification: Uncertain significance for Hereditary cancer-predisposing syndrome. Last evaluated: 2022-06-04. Review status: criteria provided, single submitter. Criteria: Ambry Variant Classification Scheme 2023. Collection method: clinical testing. Allele origin: germline.
Comment: The p.S77R variant (also known as c.231C>G), located in coding exon 1 of the GREM1 gene, results from a C to G substitution at nucleotide position 231. The serine at codon 77 is replaced by arginine, an amino acid with dissimilar properties. This amino acid position is conserved. In addition, this alteration is predicted to be deleterious by in silico analysis. Since supporting evidence is limited at this time, the clinical significance of this alteration remains unclear.

NM_013372.7(GREM1):c.231C>G (p.Ser77Arg)

Gene: GREM1 (gremlin 1, DAN family BMP antagonist; plus strand). Cytogenetic location: 15q13.3.
Variant type: single nucleotide variant.
Coding change: c.231C>G on transcript NM_013372.7 (MANE Select); coding-DNA position 231, C replaced by G.
Protein change: p.Ser77Arg; replaces serine 77 with arginine.
Molecular consequence: missense variant. On other transcripts: intron variant (2).
Genome position (GRCh38, 1-based): chr15:32,730,921, C>G. VCF-style: chr15-32730921-C-G. GRCh37 (hg19) VCF-style: chr15-33023122-C-G.
Other names: c.231C>G, p.Ser77Arg (NM_001368719.1); c.115-7C>G (NM_001191323.2); c.28-7C>G (NM_001191322.2); short protein forms S77R.
Identifiers: ClinVar variation 1789542 (VCV001789542.2), dbSNP rs2548707661, ClinGen allele CA391557467.
Genomic context (GRCh38, chr15:32,730,921, plus strand): 5'-CCGGGGGCGGGGCCAAGGGCGGGGCACTGCCATGCCCGGGGAGGAGGTGCTGGAGTCCAG[C>G]CAAGAGGCCCTGCATGTGACGGAGCGCAAATACCTGAAGCGAGACTGGTGCAAAACCCAG-3'
Protein context (NP_037504.1, residues 67-87): AMPGEEVLES[Ser77Arg]QEALHVTERK